The following is an entry in ClinVar:

NM_002840.5(PTPRF):c.3795G>A (p.Thr1265=)

Gene: PTPRF (protein tyrosine phosphatase receptor type F; plus strand). Cytogenetic location: 1p34.2.
Variant type: single nucleotide variant.
Coding change: c.3795G>A on transcript NM_002840.5 (MANE Select); coding-DNA position 3795, G replaced by A.
Protein change: p.Thr1265=; no amino-acid change (threonine 1265 retained).
Molecular consequence: synonymous variant.
Genome position (GRCh38, 1-based): chr1:43,606,906, G>A. VCF-style: chr1-43606906-G-A. GRCh37 (hg19) VCF-style: chr1-44072577-G-A.
Other names: c.2928G>A, p.Thr976= (NM_001329137.2); c.2940G>A, p.Thr980= (NM_001329138.2); c.2910G>A, p.Thr970= (NM_001329139.2); c.2883G>A, p.Thr961= (NM_001329140.2); c.3768G>A, p.Thr1256= (NM_130440.4).
Identifiers: ClinVar variation 3058430 (VCV003058430.2), dbSNP rs199928151, ClinGen allele CA812958.

ClinVar aggregate classification (germline): Likely benign (0 of 4 stars; one submission).

Conditions:
PTPRF-related disorder. Also called: PTPRF-related condition.

Allele frequency attached by ClinVar (database versions not stated): ExAC 0.00004; gnomAD 0.00005; TOPMed 0.00005; gnomAD exomes 0.00006; 1000 Genomes Project 30x 0.00016; 1000 Genomes Project 0.00020.
gnomAD v4.1: 90 of 1,614,188 alleles (0.0056%); highest among the groups gnomAD compares: Middle Eastern, 0.033%; no homozygotes.

Submission:

PreventionGenetics, part of Exact Sciences
Classification: Likely benign for PTPRF-related condition. Last evaluated: 2019-03-12. Review status: no assertion criteria provided. Collection method: clinical testing. Allele origin: germline.
Comment: This variant is classified as likely benign based on ACMG/AMP sequence variant interpretation guidelines (Richards et al. 2015 PMID: 25741868, with internal and published modifications).